The following is an entry in ClinVar:

ClinVar aggregate classification (germline): Pathogenic (1 of 4 stars; one submission).

Conditions:
Immunodeficiency, common variable, 7. Identifiers: Orphanet 1572, Orphanet 696894, MedGen C3542922, MONDO:0013862, OMIM 614699.

gnomAD v4.1: 2 of 1,614,096 alleles (0.00012%); highest among the groups gnomAD compares: African/African-American, 0.0027%; no homozygotes.

Submission:

Labcorp Genetics (formerly Invitae), Labcorp
Classification: Pathogenic for Immunodeficiency, common variable, 7. Last evaluated: 2025-06-12. Review status: criteria provided, single submitter. Criteria: Invitae Variant Classification Sherloc (09022015). Collection method: clinical testing. Allele origin: germline.
Comment: This sequence change creates a premature translational stop signal (p.Gly827*) in the CR2 gene. It is expected to result in an absent or disrupted protein product. Loss-of-function variants in CR2 are known to be pathogenic (PMID: 26325596, 28499783). This variant is not present in population databases (gnomAD no frequency). This variant has not been reported in the literature in individuals affected with CR2-related conditions. ClinVar contains an entry for this variant (Variation ID: 3629192). For these reasons, this variant has been classified as Pathogenic.

Literature cited by the submitters: PubMed 26325596; PubMed 28499783.

NM_001006658.3(CR2):c.2479G>T (p.Gly827Ter)

Gene: CR2 (complement C3d receptor 2; plus strand). Cytogenetic location: 1q32.2.
Variant type: single nucleotide variant.
Coding change: c.2479G>T on transcript NM_001006658.3 (MANE Select); coding-DNA position 2479, G replaced by T.
Protein change: p.Gly827Ter; replaces glycine 827 with a stop codon.
Molecular consequence: nonsense.
Genome position (GRCh38, 1-based): chr1:207,474,979, G>T. VCF-style: chr1-207474979-G-T. GRCh37 (hg19) VCF-style: chr1-207648324-G-T.
Other names: c.2302G>T, p.Gly768Ter (NM_001877.5); short protein forms G768*, G827*.
Identifiers: ClinVar variation 3629192 (VCV003629192.2).